The following is an entry in ClinVar:

NM_001369.3(DNAH5):c.3917G>A (p.Trp1306Ter)

Genes: DNAH5 (dynein axonemal heavy chain 5; minus strand), DNAH5-AS1 (DNAH5 antisense RNA 1; plus strand). Cytogenetic location: 5p15.2.
Variant type: single nucleotide variant.
Coding change: c.3917G>A on transcript NM_001369.3 (MANE Select); coding-DNA position 3917, G replaced by A.
Protein change: p.Trp1306Ter; replaces tryptophan 1306 with a stop codon.
Molecular consequence: nonsense.
Genome position (GRCh38, 1-based): chr5:13,867,910, C>T on the plus strand (G>A on the coding strand, the complement: DNAH5 is on the minus strand). VCF-style: chr5-13867910-C-T. GRCh37 (hg19) VCF-style: chr5-13868019-C-T.
Other names: short protein forms W1306*.
Identifiers: ClinVar variation 2091060 (VCV002091060.5), dbSNP rs2546988377, ClinGen allele CA359229309.

ClinVar aggregate classification (germline): Pathogenic. Review status: criteria provided, multiple submitters, no conflicts (2 of 4 stars). 2 submissions from 2 submitters: Pathogenic (2). Last evaluated 2024-05-08.

Conditions:
Primary ciliary dyskinesia 3. Identifiers: Orphanet 244, MedGen C1837618, MONDO:0012085, OMIM 608644.
Primary ciliary dyskinesia. Also called: Ciliary dyskinesia. Identifiers: Orphanet 244, MedGen C0008780, MONDO:0016575, HP:0012265.

Submissions (2):

Myriad Genetics, Inc.
Classification: Pathogenic for Primary ciliary dyskinesia 3. Last evaluated: 2024-05-08. Review status: criteria provided, single submitter. Criteria: Myriad Autosomal Dominant, Autosomal Recessive and X-Linked Classification Criteria (2023). Collection method: clinical testing. Allele origin: unknown.
Comment: NM_001369.2(DNAH5):c.3917G>A(W1306*) is expected to be pathogenic in the context of primary ciliary dyskinesia, DNAH5-related. This variant is predicted to lead to an abnormal or absent protein product due to the creation of a premature termination codon in DNAH5, a gene where loss-of-function variants are known to be pathogenic. Please note: this variant was assessed in the context of healthy population screening.

Labcorp Genetics (formerly Invitae), Labcorp
Classification: Pathogenic for Primary ciliary dyskinesia. Last evaluated: 2022-01-28. Review status: criteria provided, single submitter. Criteria: Invitae Variant Classification Sherloc (09022015). Collection method: clinical testing. Allele origin: germline.
Comment: This sequence change creates a premature translational stop signal (p.Trp1306*) in the DNAH5 gene. It is expected to result in an absent or disrupted protein product. Loss-of-function variants in DNAH5 are known to be pathogenic (PMID: 11788826, 16627867). This variant is not present in population databases (gnomAD no frequency). This variant has not been reported in the literature in individuals affected with DNAH5-related conditions. Algorithms developed to predict the effect of sequence changes on RNA splicing suggest that this variant may create or strengthen a splice site. For these reasons, this variant has been classified as Pathogenic.

Literature cited by the submitters: PubMed 11788826 (cited by Labcorp Genetics (formerly Invitae), Labcorp); PubMed 16627867 (cited by Labcorp Genetics (formerly Invitae), Labcorp).